The following is an entry in ClinVar:

ClinVar aggregate classification (germline): Uncertain significance (1 of 4 stars; one submission).

gnomAD v4.1: 6 of 1,551,358 alleles (0.00039%); highest among the groups gnomAD compares: East Asian, 0.015%; no homozygotes.

Submission:

Labcorp Genetics (formerly Invitae), Labcorp
Classification: Uncertain significance. Last evaluated: 2024-03-20. Review status: criteria provided, single submitter. Criteria: Invitae Variant Classification Sherloc (09022015). Collection method: clinical testing. Allele origin: germline.
Comment: This sequence change replaces arginine, which is basic and polar, with threonine, which is neutral and polar, at codon 12 of the KPNA7 protein (p.Arg12Thr). This variant is present in population databases (no rsID available, gnomAD 0.04%). This variant has not been reported in the literature in individuals affected with KPNA7-related conditions. Advanced modeling of protein sequence and biophysical properties (such as structural, functional, and spatial information, amino acid conservation, physicochemical variation, residue mobility, and thermodynamic stability) performed at Invitae indicates that this missense variant is not expected to disrupt KPNA7 protein function with a negative predictive value of 80%. In summary, the available evidence is currently insufficient to determine the role of this variant in disease. Therefore, it has been classified as a Variant of Uncertain Significance.

NM_001145715.3(KPNA7):c.35G>C (p.Arg12Thr)

Gene: KPNA7 (karyopherin subunit alpha 7; minus strand). Cytogenetic location: 7q22.1.
Variant type: single nucleotide variant.
Coding change: c.35G>C on transcript NM_001145715.3 (MANE Select); coding-DNA position 35, G replaced by C.
Protein change: p.Arg12Thr; replaces arginine 12 with threonine.
Molecular consequence: missense variant.
Genome position (GRCh38, 1-based): chr7:99,207,432, C>G on the plus strand (G>C on the coding strand, the complement: KPNA7 is on the minus strand). VCF-style: chr7-99207432-C-G. GRCh37 (hg19) VCF-style: chr7-98805055-C-G.
Other names: short protein forms R12T.
Identifiers: ClinVar variation 3708385 (VCV003708385.2).